The following is an entry in ClinVar:

NM_000038.6(APC):c.2427T>C (p.Asn809=)

Gene: APC (APC regulator of Wnt signaling pathway; plus strand). Cytogenetic location: 5q22.2.
Variant type: single nucleotide variant.
Coding change: c.2427T>C on transcript NM_000038.6 (MANE Select); coding-DNA position 2427, T replaced by C.
Protein change: p.Asn809=; no amino-acid change (asparagine 809 retained).
Molecular consequence: synonymous variant.
Genome position (GRCh38, 1-based): chr5:112,838,021, T>C. VCF-style: chr5-112838021-T-C. GRCh37 (hg19) VCF-style: chr5-112173718-T-C.
Other names: c.2427T>C, p.Asn809= (NM_001127510.3, NM_001354895.2); c.2373T>C, p.Asn791= (NM_001127511.3); c.2481T>C, p.Asn827= (NM_001354896.2); c.2457T>C, p.Asn819= (NM_001354897.2); c.2352T>C, p.Asn784= (NM_001354898.2); c.2343T>C, p.Asn781= (NM_001354899.2); c.2304T>C, p.Asn768= (NM_001354900.2); c.2250T>C, p.Asn750= (NM_001354901.2); and 5 more.
Identifiers: ClinVar variation 1052745 (VCV001052745.50), dbSNP rs1035293450, ClinGen allele CA125167767.

ClinVar aggregate classification (germline): Benign/Likely benign. Review status: criteria provided, multiple submitters, no conflicts (2 of 4 stars). 3 submissions from 3 submitters: Benign (1); Likely benign (2). Last evaluated 2025-01-20.

Conditions:
Hereditary cancer-predisposing syndrome. Also called: Tumor predisposition; Hereditary neoplastic syndrome; Hereditary Cancer Syndrome; Neoplastic Syndromes, Hereditary. Identifiers: Orphanet 140162, MedGen C0027672, MeSH D009386, MONDO:0015356.
Familial adenomatous polyposis 1 (FAP1). Also called: POLYPOSIS, ADENOMATOUS INTESTINAL; FAMILIAL ADENOMATOUS POLYPOSIS 1, ATTENUATED. Identifiers: MedGen C2713442, MONDO:0021056, OMIM 175100. Disease mechanism: loss of function.

Allele frequency attached by ClinVar (database versions not stated): gnomAD exomes below 0.00001; TOPMed 0.00001.
gnomAD v4.1: 2 of 1,614,154 alleles (0.00012%); highest among the groups gnomAD compares: African/African-American, 0.0027%; no homozygotes.

Submissions (3):

Labcorp Genetics (formerly Invitae), Labcorp
Classification: Likely benign for Familial adenomatous polyposis 1. Last evaluated: 2025-01-20. Review status: criteria provided, single submitter. Criteria: Invitae Variant Classification Sherloc (09022015). Collection method: clinical testing. Allele origin: germline.

Myriad Genetics, Inc.
Classification: Benign for Familial adenomatous polyposis 1. Last evaluated: 2024-03-12. Review status: criteria provided, single submitter. Criteria: Myriad Autosomal Dominant, Autosomal Recessive and X-Linked Classification Criteria (2023). Collection method: clinical testing. Allele origin: unknown.
Comment: This variant is considered benign. This variant is a silent/synonymous amino acid change and it is not expected to impact splicing.

Ambry Genetics
Classification: Likely benign for Hereditary cancer-predisposing syndrome. Last evaluated: 2021-02-24. Review status: criteria provided, single submitter. Criteria: Ambry Variant Classification Scheme 2023. Collection method: clinical testing. Allele origin: germline.